The following is an entry in ClinVar:

NM_001846.4(COL4A2):c.4487G>C (p.Ser1496Thr)

Genes: COL4A2 (collagen type IV alpha 2 chain; plus strand), COL4A2-AS1 (COL4A2 antisense RNA 1; minus strand). Cytogenetic location: 13q34.
Variant type: single nucleotide variant.
Coding change: c.4487G>C on transcript NM_001846.4 (MANE Select); coding-DNA position 4487, G replaced by C.
Protein change: p.Ser1496Thr; replaces serine 1496 with threonine.
Molecular consequence: missense variant.
Genome position (GRCh38, 1-based): chr13:110,506,499, G>C. VCF-style: chr13-110506499-G-C. GRCh37 (hg19) VCF-style: chr13-111158846-G-C.
Other names: c.4487G>C (NM_001846.2); short protein forms S1496T.
Identifiers: ClinVar variation 2916712 (VCV002916712.4), dbSNP rs201790726, ClinGen allele CA7050559.

ClinVar aggregate classification (germline): Conflicting classifications of pathogenicity. Review status: criteria provided, conflicting classifications (1 of 4 stars). 2 submissions from 2 submitters: Uncertain significance (1); Likely benign (1). Last evaluated 2025-05-22.

Conditions:
Inborn genetic diseases. Identifiers: MedGen C0950123, MeSH D030342.

Allele frequency attached by ClinVar (database versions not stated): ExAC 0.00005; ESP Exome Variant Server 0.00032; gnomAD 0.00005; TOPMed 0.00007; gnomAD exomes 0.00023.
gnomAD v4.1: 331 of 1,612,770 alleles (0.021%); highest among the groups gnomAD compares: Non-Finnish European, 0.027%; no homozygotes.

Submissions (2):

Labcorp Genetics (formerly Invitae), Labcorp
Classification: Uncertain significance. Last evaluated: 2025-05-22. Review status: criteria provided, single submitter. Criteria: Invitae Variant Classification Sherloc (09022015). Collection method: clinical testing. Allele origin: germline.
Comment: This sequence change replaces serine, which is neutral and polar, with threonine, which is neutral and polar, at codon 1496 of the COL4A2 protein (p.Ser1496Thr). This variant is present in population databases (rs201790726, gnomAD 0.01%). This variant has not been reported in the literature in individuals affected with COL4A2-related conditions. ClinVar contains an entry for this variant (Variation ID: 2916712). Invitae Evidence Modeling of protein sequence and biophysical properties (such as structural, functional, and spatial information, amino acid conservation, physicochemical variation, residue mobility, and thermodynamic stability) has been performed for this missense variant. However, the output from this modeling did not meet the statistical confidence thresholds required to predict the impact of this variant on COL4A2 protein function. In summary, the available evidence is currently insufficient to determine the role of this variant in disease. Therefore, it has been classified as a Variant of Uncertain Significance.

Ambry Genetics
Classification: Likely benign for Inborn genetic diseases. Last evaluated: 2025-04-12. Review status: criteria provided, single submitter. Criteria: Ambry Variant Classification Scheme 2023. Collection method: clinical testing. Allele origin: germline.